The following is an entry in ClinVar:

NM_001256317.3(TMPRSS3):c.566A>T (p.Tyr189Phe)

Gene: TMPRSS3 (transmembrane serine protease 3; minus strand). Cytogenetic location: 21q22.3.
Variant type: single nucleotide variant.
Coding change: c.566A>T on transcript NM_001256317.3 (MANE Select); coding-DNA position 566, A replaced by T.
Protein change: p.Tyr189Phe; replaces tyrosine 189 with phenylalanine.
Molecular consequence: missense variant.
Genome position (GRCh38, 1-based): chr21:42,385,415, T>A on the plus strand (A>T on the coding strand, the complement: TMPRSS3 is on the minus strand). VCF-style: chr21-42385415-T-A. GRCh37 (hg19) VCF-style: chr21-43805524-T-A.
Other names: c.566A>T, p.Tyr189Phe (NM_024022.4, NM_032405.2); c.185A>T, p.Tyr62Phe (NM_032404.3); c.566A>T (NM_024022.2); short protein forms Y189F, Y62F.
Identifiers: ClinVar variation 1339889 (VCV001339889.8), dbSNP rs781338726, ClinGen allele CA10042592.

ClinVar aggregate classification (germline): Uncertain significance. Review status: criteria provided, multiple submitters, no conflicts (2 of 4 stars). 2 submissions from 2 submitters: Uncertain significance (2). Last evaluated 2025-07-15.

Conditions:
Inborn genetic diseases. Identifiers: MedGen C0950123, MeSH D030342.

Allele frequency attached by ClinVar (database versions not stated): gnomAD exomes 0.00002 and 0.00003; ExAC 0.00002; gnomAD 0.00003.

Submissions (2):

Ambry Genetics
Classification: Uncertain significance for Inborn genetic diseases. Last evaluated: 2025-07-15. Review status: criteria provided, single submitter. Criteria: Ambry Variant Classification Scheme 2023. Collection method: clinical testing. Allele origin: germline.

GeneDx
Classification: Uncertain significance. Last evaluated: 2025-03-13. Review status: criteria provided, single submitter. Criteria: GeneDx Variant Classification Process June 2021. Collection method: clinical testing. Allele origin: germline.
Comment: Not observed at significant frequency in large population cohorts (gnomAD); In silico analysis indicates that this missense variant does not alter protein structure/function; Has not been previously published as pathogenic or benign to our knowledge